The following is an entry in ClinVar:

NM_001205019.2(GK):c.401A>C (p.Asn134Thr)

Gene: GK (glycerol kinase; plus strand). Cytogenetic location: Xp21.2.
Variant type: single nucleotide variant.
Coding change: c.401A>C on transcript NM_001205019.2 (MANE Select); coding-DNA position 401, A replaced by C.
Protein change: p.Asn134Thr; replaces asparagine 134 with threonine.
Molecular consequence: missense variant. On other transcripts: non-coding transcript variant (7).
Genome position (GRCh38, 1-based): chrX:30,691,186, A>C. VCF-style: chrX-30691186-A-C. GRCh37 (hg19) VCF-style: chrX-30709303-A-C.
Other names: c.401A>C, p.Asn134Thr (NM_000167.6, NM_001128127.3, NM_203391.4); c.485A>C, p.Asn162Thr (NM_001399987.1, NM_001437590.1); short protein forms N134T, N162T.
Identifiers: ClinVar variation 4882446 (VCV004882446.2).

ClinVar aggregate classification (germline): Uncertain significance (1 of 4 stars; one submission).

Submission:

Dasa
Classification: Uncertain significance. Last evaluated: 2026-01-14. Review status: criteria provided, single submitter. Criteria: DASA Assertion Criteria. Collection method: clinical testing. Allele origin: germline.
Comment: NM_001205019.2(GK):c.401A>C (p.Asn134Thr) is a missense variant that results in the substitution of asparagine with threonine. This variant is rare in population databases. Computational prediction algorithms are consistent with a benign effect. The currently available literature and clinical evidence are not sufficient to establish a definitive association between this variant and the reported condition. Therefore, this variant is classified as a variant of uncertain significance.